The following is an entry in ClinVar:

NM_014251.3(SLC25A13):c.15+2T>C

Genes: SLC25A13 (solute carrier family 25 member 13; minus strand), LOC129998833 (ATAC-STARR-seq lymphoblastoid silent region 18384; plus strand). Cytogenetic location: 7q21.3.
Variant type: single nucleotide variant.
Coding change: c.15+2T>C on transcript NM_014251.3 (MANE Select); the canonical splice donor site of the intron after coding-DNA position 15, T replaced by C.
Molecular consequence: splice donor variant.
Genome position (GRCh38, 1-based): chr7:96,321,940, A>G on the plus strand (T>C on the coding strand, the complement: SLC25A13 is on the minus strand). VCF-style: chr7-96321940-A-G. GRCh37 (hg19) VCF-style: chr7-95951252-A-G.
Other names: c.15+2T>C (NM_001160210.2).
Identifiers: ClinVar variation 2038719 (VCV002038719.4), dbSNP rs572198981, ClinGen allele CA4353434.

ClinVar aggregate classification (germline): Likely pathogenic (1 of 4 stars; one submission).

Conditions:
Citrin deficiency. Identifiers: Orphanet 247582, MedGen C1997910, MONDO:0016602.

Allele frequency attached by ClinVar (database versions not stated): gnomAD exomes below 0.00001; ExAC 0.00007; 1000 Genomes Project 30x 0.00016; 1000 Genomes Project 0.00020.

Submission:

Labcorp Genetics (formerly Invitae), Labcorp
Classification: Likely pathogenic for Citrin deficiency. Last evaluated: 2021-12-09. Review status: criteria provided, single submitter. Criteria: Invitae Variant Classification Sherloc (09022015). Collection method: clinical testing. Allele origin: germline.
Comment: This sequence change affects a donor splice site in intron 1 of the SLC25A13 gene. It is expected to disrupt RNA splicing. Variants that disrupt the donor or acceptor splice site typically lead to a loss of protein function (PMID: 16199547), and loss-of-function variants in SLC25A13 are known to be pathogenic (PMID: 10369257, 14680984, 27405544). The frequency data for this variant in the population databases is considered unreliable, as metrics indicate poor data quality at this position in the gnomAD database. In summary, the currently available evidence indicates that the variant is pathogenic, but additional data are needed to prove that conclusively. Therefore, this variant has been classified as Likely Pathogenic. Algorithms developed to predict the effect of sequence changes on RNA splicing suggest that this variant may disrupt the consensus splice site. This variant has not been reported in the literature in individuals affected with SLC25A13-related conditions.

Literature cited by the submitters: PubMed 16199547; PubMed 10369257; PubMed 14680984; PubMed 27405544.